The following is an entry in ClinVar:

ClinVar aggregate classification (germline): Uncertain significance (1 of 4 stars; one submission).

Conditions:
Hereditary cancer-predisposing syndrome. Also called: Hereditary Cancer Syndrome; Tumor predisposition; Neoplastic Syndromes, Hereditary; Hereditary neoplastic syndrome. Identifiers: Orphanet 140162, MedGen C0027672, MeSH D009386, MONDO:0015356.

Submission:

Ambry Genetics
Classification: Uncertain significance for Hereditary cancer-predisposing syndrome. Last evaluated: 2026-03-05. Review status: criteria provided, single submitter. Criteria: Ambry Variant Classification Scheme 2023. Collection method: clinical testing. Allele origin: germline.
Comment: The p.G170C variant (also known as c.508G>T), located in coding exon 4 of the FH gene, results from a G to T substitution at nucleotide position 508. The glycine at codon 170 is replaced by cysteine, an amino acid with highly dissimilar properties. This amino acid position is highly conserved in available vertebrate species. In addition, this alteration is predicted to be deleterious by in silico analysis. Based on the available evidence, the clinical significance of this variant remains unclear.

NM_000143.4(FH):c.508G>T (p.Gly170Cys)

Gene: FH (fumarate hydratase; minus strand). Cytogenetic location: 1q43.
Variant type: single nucleotide variant.
Coding change: c.508G>T on transcript NM_000143.4 (MANE Select); coding-DNA position 508, G replaced by T.
Protein change: p.Gly170Cys; replaces glycine 170 with cysteine.
Molecular consequence: missense variant.
Genome position (GRCh38, 1-based): chr1:241,512,014, C>A on the plus strand (G>T on the coding strand, the complement: FH is on the minus strand). VCF-style: chr1-241512014-C-A. GRCh37 (hg19) VCF-style: chr1-241675314-C-A.
Other names: short protein forms G170C.
Identifiers: ClinVar variation 825428 (VCV000825428.5), dbSNP rs1573885366, ClinGen allele CA345439945.